The following is an entry in ClinVar:

NM_001270508.2(TNFAIP3):c.1828G>A (p.Ala610Thr)

Gene: TNFAIP3 (TNF alpha induced protein 3; plus strand). Cytogenetic location: 6q23.3.
Variant type: single nucleotide variant.
Coding change: c.1828G>A on transcript NM_001270508.2 (MANE Select); coding-DNA position 1828, G replaced by A.
Protein change: p.Ala610Thr; replaces alanine 610 with threonine.
Molecular consequence: missense variant.
Genome position (GRCh38, 1-based): chr6:137,879,273, G>A. VCF-style: chr6-137879273-G-A. GRCh37 (hg19) VCF-style: chr6-138200410-G-A.
Other names: c.1828G>A, p.Ala610Thr (NM_001270507.2, NM_006290.4); short protein forms A610T.
Identifiers: ClinVar variation 994249 (VCV000994249.11), dbSNP rs1776363649, ClinGen allele CA365793699.
Genomic context (GRCh38, chr6:137,879,273, plus strand): 5'-TGCCTGTCTCAAGCTGCACGGACTCCTGGGGACAGGACGGGGACGAGCAAGTGCAGAAAA[G>A]CCGGCTGCGTGTATTTTGGGACTCCAGAAAACAAGGGCTTTTGCACACTGTGTTTCATCG-3'
Protein context (NP_001257437.1, residues 600-620): DRTGTSKCRK[Ala610Thr]GCVYFGTPEN

ClinVar aggregate classification (germline): Uncertain significance. Review status: criteria provided, multiple submitters, no conflicts (2 of 4 stars). 3 submissions from 3 submitters: Uncertain significance (3). Last evaluated 2025-09-17.

Conditions:
Autoinflammatory syndrome, familial, Behcet-like. Identifiers: MedGen CN234876, MONDO:0031384.

Allele frequency attached by ClinVar (database versions not stated): TOPMed below 0.00001; gnomAD 0.00001; gnomAD exomes 0.00001.

Submissions (3):

Labcorp Genetics (formerly Invitae), Labcorp
Classification: Uncertain significance. Last evaluated: 2025-09-17. Review status: criteria provided, single submitter. Criteria: Invitae Variant Classification Sherloc (09022015). Collection method: clinical testing. Allele origin: germline.
Comment: This sequence change replaces alanine, which is neutral and non-polar, with threonine, which is neutral and polar, at codon 610 of the TNFAIP3 protein (p.Ala610Thr). This variant is not present in population databases (gnomAD no frequency). This variant has not been reported in the literature in individuals affected with TNFAIP3-related conditions. ClinVar contains an entry for this variant (Variation ID: 994249). Invitae Evidence Modeling of protein sequence and biophysical properties (such as structural, functional, and spatial information, amino acid conservation, physicochemical variation, residue mobility, and thermodynamic stability) indicates that this missense variant is not expected to disrupt TNFAIP3 protein function with a negative predictive value of 80%. In summary, the available evidence is currently insufficient to determine the role of this variant in disease. Therefore, it has been classified as a Variant of Uncertain Significance.

Blueprint Genetics
Classification: Uncertain significance. Last evaluated: 2022-04-06. Review status: criteria provided, single submitter. Criteria: ACMG Guidelines, 2015. Collection method: clinical testing. Allele origin: germline.

ARUP Laboratories, Molecular Genetics and Genomics, ARUP Laboratories
Classification: Uncertain significance for Autoinflammatory syndrome, familial, Behcet-like 1. Last evaluated: 2021-09-18. Review status: criteria provided, single submitter. Criteria: ARUP Molecular Germline Variant Investigation Process 2021. Collection method: clinical testing. Allele origin: germline.
Comment: The TNFAIP3 c.1828G>A; p.Ala610Thr variant, to our knowledge, is not reported in the medical literature or gene specific databases. The variant is also absent from general population databases (Exome Variant Server, Genome Aggregation Database), indicating it is not a common polymorphism. The alanine at codon 610 is moderately conserved, but computational analyses predict that this variant is neutral (REVEL: 0.045). Due to limited information, the clinical significance of the p.Ala610Thr variant is uncertain at this time.